The following is an entry in ClinVar:

ClinVar aggregate classification (germline): Uncertain significance. Review status: criteria provided, multiple submitters, no conflicts (2 of 4 stars). 4 submissions from 4 submitters: Uncertain significance (4). Last evaluated 2026-09-02.

Conditions:
Hereditary cancer-predisposing syndrome. Also called: Tumor predisposition; Hereditary neoplastic syndrome; Neoplastic Syndromes, Hereditary; Hereditary Cancer Syndrome. Identifiers: Orphanet 140162, MedGen C0027672, MeSH D009386, MONDO:0015356.
Familial cancer of breast. Also called: BREAST CANCER, FAMILIAL; hereditary breast carcinoma; Hereditary breast cancer. Identifiers: Orphanet 227535, MedGen C0346153, MONDO:0016419, OMIM 114480. Disease mechanism: loss of function.
Hereditary diffuse gastric adenocarcinoma (HDGC). Also called: DIFFUSE GASTRIC AND LOBULAR BREAST CANCER SYNDROME. Identifiers: Orphanet 26106, MedGen C1708349, MONDO:0007648, OMIM 137215.

Allele frequency attached by ClinVar (database versions not stated): gnomAD exomes 0.00001.
gnomAD v4.1: 3 of 1,612,772 alleles (0.00019%); highest among the groups gnomAD compares: Admixed American, 0.005%; no homozygotes.

Submissions (4):

GeneDx
Classification: Uncertain significance. Last evaluated: 2026-09-02. Review status: criteria provided, single submitter. Criteria: GeneDx Variant Classification Process June 2021. Collection method: clinical testing. Allele origin: germline.
Comment: Not observed at significant frequency in large population cohorts (gnomAD); RNA studies demonstrate aberrant splicing (PMID: 31642931); This variant is associated with the following publications: (PMID: 15235021, 22850631, 31642931)

Ambry Genetics
Classification: Uncertain significance for Hereditary cancer-predisposing syndrome. Last evaluated: 2025-09-24. Review status: criteria provided, single submitter. Criteria: Ambry Variant Classification Scheme 2023. Collection method: clinical testing. Allele origin: germline.
Comment: The c.1712-3T>G intronic variant results from a T to G substitution 3 nucleotides upstream from coding exon 12 in the CDH1 gene. This nucleotide position is not well conserved in available vertebrate species. In silico splice site analysis predicts that this alteration may result in the creation or strengthening of a novel splice acceptor site. RNA studies have demonstrated that this alteration results in a transcript predicted to lead to a protein with an in-frame deletion of three amino acid(s); however, the exact functional impact of the deleted amino acid(s) are unknown at this time (Ambry internal data). Since supporting evidence is limited at this time, the clinical significance of this alteration remains unclear.

Labcorp Genetics (formerly Invitae), Labcorp
Classification: Uncertain significance for Hereditary diffuse gastric adenocarcinoma. Last evaluated: 2024-12-19. Review status: criteria provided, single submitter. Criteria: Invitae Variant Classification Sherloc (09022015). Collection method: clinical testing. Allele origin: germline.
Comment: This sequence change falls in intron 11 of the CDH1 gene. It does not directly change the encoded amino acid sequence of the CDH1 protein. It affects a nucleotide within the consensus splice site. This variant is present in population databases (no rsID available, gnomAD 0.009%). This variant has not been reported in the literature in individuals affected with CDH1-related conditions. ClinVar contains an entry for this variant (Variation ID: 486830). Variants that disrupt the consensus splice site are a relatively common cause of aberrant splicing (PMID: 17576681, 9536098). Studies have shown that this variant is associated with inconclusive levels of altered splicing (internal data). In summary, the available evidence is currently insufficient to determine the role of this variant in disease. Therefore, it has been classified as a Variant of Uncertain Significance.

Baylor Genetics
Classification: Uncertain significance for Familial cancer of breast. Last evaluated: 2024-03-11. Review status: criteria provided, single submitter. Criteria: ACMG Guidelines, 2015. Collection method: clinical testing. Allele origin: unknown.

Literature cited by the submitters: PubMed 17576681 (cited by Labcorp Genetics (formerly Invitae), Labcorp); PubMed 9536098 (cited by Labcorp Genetics (formerly Invitae), Labcorp).

NM_004360.5(CDH1):c.1712-3T>G

Gene: CDH1 (cadherin 1; plus strand). Cytogenetic location: 16q22.1.
Variant type: single nucleotide variant.
Coding change: c.1712-3T>G on transcript NM_004360.5 (MANE Select); 3 bases into the intron before coding-DNA position 1712, T replaced by G.
Molecular consequence: intron variant.
Genome position (GRCh38, 1-based): chr16:68,821,998, T>G. VCF-style: chr16-68821998-T-G. GRCh37 (hg19) VCF-style: chr16-68855901-T-G.
Other names: c.164-3T>G (NM_001317185.2); c.-254-3T>G (NM_001317186.2); c.1529-3T>G (NM_001317184.2); c.1712-3T>G (LRG_301t1).
Identifiers: ClinVar variation 486830 (VCV000486830.20), dbSNP rs1269786119, ClinGen allele CA623574747.